The following is an entry in ClinVar:

ClinVar aggregate classification (germline): Likely benign (0 of 4 stars; one submission).

Conditions:
SREBF2-related disorder. Also called: SREBF2-related condiiton.

Submission:

PreventionGenetics, part of Exact Sciences
Classification: Likely benign for SREBF2-related condition. Last evaluated: 2023-02-21. Review status: no assertion criteria provided. Collection method: clinical testing. Allele origin: germline.
Comment: This variant is classified as likely benign based on ACMG/AMP sequence variant interpretation guidelines (Richards et al. 2015 PMID: 25741868, with internal and published modifications).

NM_004599.4(SREBF2):c.*6A>G

Gene: SREBF2 (sterol regulatory element binding transcription factor 2; plus strand). Cytogenetic location: 22q13.2.
Variant type: single nucleotide variant.
Coding change: c.*6A>G on transcript NM_004599.4 (MANE Select); 6 bases downstream of the stop codon, A replaced by G.
Molecular consequence: 3 prime UTR variant. On other transcripts: non-coding transcript variant (1).
Genome position (GRCh38, 1-based): chr22:41,905,666, A>G. VCF-style: chr22-41905666-A-G. GRCh37 (hg19) VCF-style: chr22-42301670-A-G.
Identifiers: ClinVar variation 3055332 (VCV003055332.2), dbSNP rs2518765854, ClinGen allele CA2657000659.
Genomic context (GRCh38, chr22:41,905,666, plus strand): 5'-CTGCCAGCAGATGATTGTTAAGCTGGGTGGTGGCACTGCCATTGCCGCCTCCTGACCACC[A>G]GGCTCAGCCCACCCCTCCACCTCTCTCTCGATTTCTCTCTCTCCCCCTCAGCATCTTCCC-3'